The following is an entry in ClinVar:

NM_001099922.3(ALG13):c.2731A>G (p.Ile911Val)

Gene: ALG13 (ALG13 UDP-N-acetylglucosaminyltransferase subunit; plus strand). Cytogenetic location: Xq23.
Variant type: single nucleotide variant.
Coding change: c.2731A>G on transcript NM_001099922.3 (MANE Select); coding-DNA position 2731, A replaced by G.
Protein change: p.Ile911Val; replaces isoleucine 911 with valine.
Molecular consequence: missense variant. On other transcripts: intron variant (5).
Genome position (GRCh38, 1-based): chrX:111,744,703, A>G. VCF-style: chrX-111744703-A-G. GRCh37 (hg19) VCF-style: chrX-110987931-A-G.
Other names: c.2497A>G, p.Ile833Val (NM_001257231.2); c.2383+7824A>G (NM_001257237.2, NM_001257234.2, NM_001257230.2); c.2209+7824A>G (NM_001324293.1); c.2695+7824A>G (NM_001324292.2); short protein forms I911V, I833V.
Identifiers: ClinVar variation 2173691 (VCV002173691.3), dbSNP rs1392307065, ClinGen allele CA414291411.

ClinVar aggregate classification (germline): Uncertain significance. Review status: criteria provided, multiple submitters, no conflicts (2 of 4 stars). 2 submissions from 2 submitters: Uncertain significance (2). Last evaluated 2022-11-01.

Conditions:
Developmental and epileptic encephalopathy. Identifiers: MedGen C5779964, MONDO:0100620.
Developmental and epileptic encephalopathy, 36 (DEE36). Also called: Epileptic encephalopathy, early infantile, 36; Congenital disorder of glycosylation, type Is; ALG13-CDG. Identifiers: Orphanet 324422, MedGen C4317295, MONDO:0010472, OMIM 300884.

gnomAD v4.1: 6 of 1,177,558 alleles (0.00051%); highest among the groups gnomAD compares: Admixed American, 0.0048%; no homozygotes.

Submissions (2):

Labcorp Genetics (formerly Invitae), Labcorp
Classification: Uncertain significance for Developmental and epileptic encephalopathy, 36. Last evaluated: 2022-11-01. Review status: criteria provided, single submitter. Criteria: Invitae Variant Classification Sherloc (09022015). Collection method: clinical testing. Allele origin: germline.
Comment: In summary, the available evidence is currently insufficient to determine the role of this variant in disease. Therefore, it has been classified as a Variant of Uncertain Significance. Algorithms developed to predict the effect of missense changes on protein structure and function output the following: SIFT: "Tolerated"; PolyPhen-2: "Benign"; Align-GVGD: "Class C0". The valine amino acid residue is found in multiple mammalian species, which suggests that this missense change does not adversely affect protein function. This variant has not been reported in the literature in individuals affected with ALG13-related conditions. The frequency data for this variant in the population databases is considered unreliable, as metrics indicate poor data quality at this position in the gnomAD database. This sequence change replaces isoleucine, which is neutral and non-polar, with valine, which is neutral and non-polar, at codon 911 of the ALG13 protein (p.Ile911Val).

Department of Pathology and Laboratory Medicine, Sinai Health System
Classification: Uncertain significance for developmental and epileptic encephalopathy. Last evaluated: 2022-02-24. Review status: criteria provided, single submitter. Criteria: ACMG Guidelines, 2015. Collection method: research. Allele origin: germline.